The following is an entry in ClinVar:

ClinVar aggregate classification (germline): Uncertain significance. Review status: criteria provided, multiple submitters, no conflicts (2 of 4 stars). 2 submissions from 2 submitters: Uncertain significance (2). Last evaluated 2026-01-26.

Allele frequency attached by ClinVar (database versions not stated): gnomAD 0.00001; gnomAD exomes 0.00002; TOPMed 0.00002.
gnomAD v4.1: 30 of 1,613,978 alleles (0.0019%); highest among the groups gnomAD compares: Non-Finnish European, 0.0025%; no homozygotes.

Submissions (2):

Labcorp Genetics (formerly Invitae), Labcorp
Classification: Uncertain significance. Last evaluated: 2026-01-26. Review status: criteria provided, single submitter. Criteria: Invitae Variant Classification Sherloc (09022015). Collection method: clinical testing. Allele origin: germline.
Comment: This sequence change replaces alanine, which is neutral and non-polar, with valine, which is neutral and non-polar, at codon 3810 of the HSPG2 protein (p.Ala3810Val). This variant is present in population databases (no rsID available, gnomAD 0.006%). This variant has not been reported in the literature in individuals affected with HSPG2-related conditions. ClinVar contains an entry for this variant (Variation ID: 2432596). An algorithm developed to predict the effect of missense changes on protein structure and function outputs the following: PolyPhen-2: "Benign". The valine amino acid residue is found in multiple mammalian species, which suggests that this missense change does not adversely affect protein function. In summary, the available evidence is currently insufficient to determine the role of this variant in disease. Therefore, it has been classified as a Variant of Uncertain Significance.

Revvity Omics, Revvity
Classification: Uncertain significance. Last evaluated: 2019-10-08. Review status: criteria provided, single submitter. Criteria: ACMG Guidelines, 2015. Collection method: clinical testing. Allele origin: germline.

NM_005529.7(HSPG2):c.11429C>T (p.Ala3810Val)

Gene: HSPG2 (heparan sulfate proteoglycan 2; minus strand). Cytogenetic location: 1p36.12.
Variant type: single nucleotide variant.
Coding change: c.11429C>T on transcript NM_005529.7 (MANE Select); coding-DNA position 11429, C replaced by T.
Protein change: p.Ala3810Val; replaces alanine 3810 with valine.
Molecular consequence: missense variant.
Genome position (GRCh38, 1-based): chr1:21,831,486, G>A on the plus strand (C>T on the coding strand, the complement: HSPG2 is on the minus strand). VCF-style: chr1-21831486-G-A. GRCh37 (hg19) VCF-style: chr1-22157979-G-A.
Other names: c.11432C>T, p.Ala3811Val (NM_001291860.2); short protein forms A3810V, A3811V.
Identifiers: ClinVar variation 2432596 (VCV002432596.4), dbSNP rs935683885, ClinGen allele CA19094409.
Genomic context (GRCh38, chr1:21,831,486, plus strand): 5'-AGGCCCAGCCTCAGCTGGAGGTGGGGAGGGGGCTCACCTATGAAGCCGCTGCTCAGCCCC[G>A]CCTTGGGGATGGCACCATAGTCAGGATAGCCACCCAGGTAGAGTTCCTCGTTCAGATCCA-3'
Protein context (NP_005520.4, residues 3800-3820): GYPDYGAIPK[Ala3810Val]GLSSGFIGCV